The following is an entry in ClinVar:

NM_003072.5(SMARCA4):c.895C>A (p.Pro299Thr)

Gene: SMARCA4 (SWI/SNF related BAF chromatin remodeling complex subunit ATPase 4; plus strand). Cytogenetic location: 19p13.2.
Variant type: single nucleotide variant.
Coding change: c.895C>A on transcript NM_003072.5 (MANE Select); coding-DNA position 895, C replaced by A.
Protein change: p.Pro299Thr; replaces proline 299 with threonine.
Molecular consequence: missense variant. On other transcripts: non-coding transcript variant (1).
Genome position (GRCh38, 1-based): chr19:10,987,701, C>A. VCF-style: chr19-10987701-C-A. GRCh37 (hg19) VCF-style: chr19-11098377-C-A.
Other names: c.895C>A, p.Pro299Thr (NM_001128844.3, NM_001128845.2, NM_001128846.2 and 6 more transcripts); short protein forms P299T.
Identifiers: ClinVar variation 5029851 (VCV005029851.1).

ClinVar aggregate classification (germline): Uncertain significance (1 of 4 stars; one submission).

Conditions:
Hereditary cancer-predisposing syndrome. Also called: Neoplastic Syndromes, Hereditary; Tumor predisposition; Hereditary neoplastic syndrome; Hereditary Cancer Syndrome. Identifiers: Orphanet 140162, MedGen C0027672, MeSH D009386, MONDO:0015356.

Submission:

Ambry Genetics
Classification: Uncertain significance for Hereditary cancer-predisposing syndrome. Last evaluated: 2026-07-07. Review status: criteria provided, single submitter. Criteria: Ambry Variant Classification Scheme 2023. Collection method: clinical testing. Allele origin: germline.
Comment: The p.P299T variant (also known as c.895C>A), located in coding exon 5 of the SMARCA4 gene, results from a C to A substitution at nucleotide position 895. The proline at codon 299 is replaced by threonine, an amino acid with highly similar properties. This amino acid position is conserved. In addition, the in silico prediction for this alteration is inconclusive. Based on the available evidence, the clinical significance of this variant remains unclear.